The following is an entry in ClinVar:

NM_007055.4(POLR3A):c.3280G>A (p.Asp1094Asn)

Genes: POLR3A (RNA polymerase III subunit A; minus strand), LOC126860970 (BRD4-independent group 4 enhancer GRCh37_chr10:79743812-79745011; plus strand). Cytogenetic location: 10q22.3.
Variant type: single nucleotide variant.
Coding change: c.3280G>A on transcript NM_007055.4 (MANE Select); coding-DNA position 3280, G replaced by A.
Protein change: p.Asp1094Asn; replaces aspartic acid 1094 with asparagine.
Molecular consequence: missense variant.
Genome position (GRCh38, 1-based): chr10:77,984,261, C>T on the plus strand (G>A on the coding strand, the complement: POLR3A is on the minus strand). VCF-style: chr10-77984261-C-T. GRCh37 (hg19) VCF-style: chr10-79744019-C-T.
Other names: short protein forms D1094N.
Identifiers: ClinVar variation 301046 (VCV000301046.17), dbSNP rs146861723, ClinGen allele CA5570888.
Genomic context (GRCh38, chr10:77,984,261, plus strand): 5'-TTACCTCTCCCAAGAGGGTTTTCTCAATTCTCCCTTTCACGAGGCGAGCATAATCCGCGT[C>T]GTCATCCTTGTCTAGCTGTGCTGTGATAATTGGAGTGCTGTTGAGAAGCAAAGGAAAAAT-3'
Protein context (NP_008986.2, residues 1084-1104): IITAQLDKDD[Asp1094Asn]ADYARLVKGR

ClinVar aggregate classification (germline): Conflicting classifications of pathogenicity. Review status: criteria provided, conflicting classifications (1 of 4 stars). 4 submissions from 4 submitters: Uncertain significance (3); Likely benign (1). Last evaluated 2026-01-06.

Conditions:
Leukodystrophy, hypomyelinating, 7, with or without oligodontia and/or hypogonadotropic hypogonadism (HLD7). Also called: LEUKOENCEPHALOPATHY, HYPOMYELINATING, WITH ATAXIA AND DELAYED DENTITION; ATAXIA, DELAYED DENTITION, AND HYPOMYELINATION; LEUKODYSTROPHY, HYPOMYELINATING, 7, WITH OLIGODONTIA; LEUKODYSTROPHY, HYPOMYELINATING, 7, WITH OLIGODONTIA AND HYPOGONADOTROPIC HYPOGONADISM; LEUKODYSTROPHY, HYPOMYELINATING, 7, WITHOUT OLIGODONTIA OR HYPOGONADOTROPIC HYPOGONADISM; Ataxia, Delayed Dentition and Hypomyelination (ADDH). Identifiers: Orphanet 137639, Orphanet 447893, Orphanet 447896, Orphanet 77295, Orphanet 88637, MedGen CN034185, MONDO:0011897, OMIM 607694.

Allele frequency attached by ClinVar (database versions not stated): gnomAD exomes 0.00010 and 0.00022; ExAC 0.00027; 1000 Genomes Project 0.00080; ESP Exome Variant Server 0.00092; gnomAD 0.00095 and 0.00101; TOPMed 0.00100; 1000 Genomes Project 30x 0.00109.
gnomAD v4.1: 287 of 1,613,404 alleles (0.018%); highest among the groups gnomAD compares: African/African-American, 0.33%; no homozygotes.

Submissions (4):

Labcorp Genetics (formerly Invitae), Labcorp
Classification: Likely benign. Last evaluated: 2026-01-06. Review status: criteria provided, single submitter. Criteria: Invitae Variant Classification Sherloc (09022015). Collection method: clinical testing. Allele origin: germline.

Blueprint Genetics
Classification: Uncertain significance. Last evaluated: 2024-06-17. Review status: criteria provided, single submitter. Criteria: ACMG Guidelines, 2015. Collection method: clinical testing. Allele origin: germline.

GeneDx
Classification: Uncertain significance. Last evaluated: 2018-06-13. Review status: criteria provided, single submitter. Criteria: GeneDx Variant Classification (06012015). Collection method: clinical testing. Allele origin: germline. Affected: yes.
Comment: The D1094N variant in the POLR3A gene has not been reported previously as a pathogenic variant, nor as a benign variant, to our knowledge. The D1094N variant is observed in 27/10098 (0.26%) alleles from individuals of African background, in the ExAC dataset (Lek et al., 2016). The D1094N variant is a semi-conservative amino acid substitution, which may impact secondary protein structure as these residues differ in some properties. This substitution occurs at a position that is conserved across species. In silico analysis predicts this variant is probably damaging to the protein structure/function. We interpret D1094N as a variant of uncertain significance.

Illumina Laboratory Services, Illumina
Classification: Uncertain significance for Leukodystrophy, hypomyelinating, 7, with or without oligodontia and/or hypogonadotropic hypogonadism. Last evaluated: 2018-01-13. Review status: criteria provided, single submitter. Criteria: ICSL Variant Classification Criteria 13 December 2019. Collection method: clinical testing. Allele origin: germline.